The following is an entry in ClinVar:

NM_004304.5(ALK):c.3601G>A (p.Gly1201Arg)

Gene: ALK (ALK receptor tyrosine kinase; minus strand). Cytogenetic location: 2p23.2.
Variant type: single nucleotide variant.
Coding change: c.3601G>A on transcript NM_004304.5 (MANE Select); coding-DNA position 3601, G replaced by A.
Protein change: p.Gly1201Arg; replaces glycine 1201 with arginine.
Molecular consequence: missense variant.
Genome position (GRCh38, 1-based): chr2:29,220,750, C>T on the plus strand (G>A on the coding strand, the complement: ALK is on the minus strand). VCF-style: chr2-29220750-C-T. GRCh37 (hg19) VCF-style: chr2-29443616-C-T.
Other names: c.397G>A, p.Gly133Arg (NM_001353765.2); short protein forms G1201R, G133R.
Identifiers: ClinVar variation 2586704 (VCV002586704.5), dbSNP rs761333959, ClinGen allele CA346473031.

ClinVar aggregate classification (germline): Uncertain significance. Review status: criteria provided, multiple submitters, no conflicts (2 of 4 stars). 2 submissions from 2 submitters: Uncertain significance (2). Last evaluated 2023-09-13.

Conditions:
Neuroblastoma, susceptibility to, 3. Also called: ALK-Related Neuroblastic Tumor Susceptibility. Identifiers: Orphanet 635, MedGen C2751681, MONDO:0013083, OMIM 613014.
Hereditary cancer-predisposing syndrome. Also called: Tumor predisposition; Neoplastic Syndromes, Hereditary; Hereditary Cancer Syndrome; Hereditary neoplastic syndrome. Identifiers: Orphanet 140162, MedGen C0027672, MeSH D009386, MONDO:0015356.

Submissions (2):

Labcorp Genetics (formerly Invitae), Labcorp
Classification: Uncertain significance for Neuroblastoma, susceptibility to, 3. Last evaluated: 2023-09-13. Review status: criteria provided, single submitter. Criteria: Invitae Variant Classification Sherloc (09022015). Collection method: clinical testing. Allele origin: germline.
Comment: In summary, the available evidence is currently insufficient to determine the role of this variant in disease. Therefore, it has been classified as a Variant of Uncertain Significance. An algorithm developed to predict the effect of missense changes on protein structure and function (PolyPhen-2) suggests that this variant is likely to be disruptive. This variant has not been reported in the literature in individuals affected with ALK-related conditions. This variant is not present in population databases (gnomAD no frequency). This sequence change replaces glycine, which is neutral and non-polar, with arginine, which is basic and polar, at codon 1201 of the ALK protein (p.Gly1201Arg).

Ambry Genetics
Classification: Uncertain significance for Hereditary cancer-predisposing syndrome. Last evaluated: 2023-09-10. Review status: criteria provided, single submitter. Criteria: Ambry Variant Classification Scheme 2023. Collection method: clinical testing. Allele origin: germline.
Comment: The p.G1201R variant (also known as c.3601G>A), located in coding exon 23 of the ALK gene, results from a G to A substitution at nucleotide position 3601. The glycine at codon 1201 is replaced by arginine, an amino acid with dissimilar properties. This amino acid position is highly conserved in available vertebrate species. In addition, this alteration is predicted to be deleterious by in silico analysis. Since supporting evidence is limited at this time, the clinical significance of this alteration remains unclear.